The following is an entry in ClinVar:

ClinVar aggregate classification (germline): Uncertain significance (1 of 4 stars; one submission).

Conditions:
Catecholaminergic polymorphic ventricular tachycardia 1. Also called: RYR2-Related Catecholaminergic Polymorphic Ventricular Tachycardia; VENTRICULAR TACHYCARDIA, CATECHOLAMINERGIC POLYMORPHIC, 1, WITH OR WITHOUT ATRIAL DYSFUNCTION AND/OR DILATED CARDIOMYOPATHY; VENTRICULAR TACHYCARDIA, STRESS-INDUCED POLYMORPHIC 1. Identifiers: Orphanet 3286, MedGen C1631597, MONDO:0011484, OMIM 604772.

Submission:

Labcorp Genetics (formerly Invitae), Labcorp
Classification: Uncertain significance for Catecholaminergic polymorphic ventricular tachycardia 1. Last evaluated: 2024-08-22. Review status: criteria provided, single submitter. Criteria: Invitae Variant Classification Sherloc (09022015). Collection method: clinical testing. Allele origin: germline.
Comment: This sequence change replaces lysine, which is basic and polar, with glutamic acid, which is acidic and polar, at codon 963 of the RYR2 protein (p.Lys963Glu). This variant is not present in population databases (gnomAD no frequency). This variant has not been reported in the literature in individuals affected with RYR2-related conditions. Invitae Evidence Modeling of protein sequence and biophysical properties (such as structural, functional, and spatial information, amino acid conservation, physicochemical variation, residue mobility, and thermodynamic stability) indicates that this missense variant is not expected to disrupt RYR2 protein function with a negative predictive value of 95%. In summary, the available evidence is currently insufficient to determine the role of this variant in disease. Therefore, it has been classified as a Variant of Uncertain Significance.

NM_001035.3(RYR2):c.2887A>G (p.Lys963Glu)

Gene: RYR2 (ryanodine receptor 2; plus strand). Cytogenetic location: 1q43.
Variant type: single nucleotide variant.
Coding change: c.2887A>G on transcript NM_001035.3 (MANE Select); coding-DNA position 2887, A replaced by G.
Protein change: p.Lys963Glu; replaces lysine 963 with glutamic acid.
Molecular consequence: missense variant.
Genome position (GRCh38, 1-based): chr1:237,530,491, A>G. VCF-style: chr1-237530491-A-G. GRCh37 (hg19) VCF-style: chr1-237693791-A-G.
Other names: short protein forms K963E.
Identifiers: ClinVar variation 3730420 (VCV003730420.2).
Genomic context (GRCh38, chr1:237,530,491, plus strand): 5'-TTGTTGGCATTAGGATGTCATGTGGGTATATCAGATGAACATGCTGAAGACAAGGTGAAA[A>G]AAATGAAGCTACCCAAGAAGTAAGTTGAATGACTAAGCAATATTAAATAATCTGTGTAGA-3'
Protein context (NP_001026.2, residues 953-973): SDEHAEDKVK[Lys963Glu]MKLPKNYQLT